The following is an entry in ClinVar:

ClinVar aggregate classification (germline): Uncertain significance (1 of 4 stars; one submission).

Conditions:
Arrhythmogenic right ventricular dysplasia 13. Also called: ARRHYTHMOGENIC RIGHT VENTRICULAR CARDIOMYOPATHY 13; Arrhythmogenic right ventricular dysplasia, familial, 13. Identifiers: MedGen C3810138, MONDO:0000908, OMIM 615616.

Submission:

Labcorp Genetics (formerly Invitae), Labcorp
Classification: Uncertain significance for Arrhythmogenic right ventricular dysplasia 13. Last evaluated: 2018-05-20. Review status: criteria provided, single submitter. Criteria: Invitae Variant Classification Sherloc (09022015). Collection method: clinical testing. Allele origin: germline.
Comment: This variant results in a copy number gain of the genomic region encompassing exons 8-11 of the CTNNA3 gene. While the exact position of this variant cannot be determined from this data, sub-genic copy number gains are generally in tandem (PMID: 25640679) and may result in an absent or disrupted protein product. This variant has not been reported in the literature in individuals with CTNNA3-related disease. The current clinical and genetic evidence is not sufficient to establish whether loss-of-function variants in CTNNA3 cause disease. In summary, the available evidence is currently insufficient to determine the role of this variant in disease. Therefore, it has been classified as a Variant of Uncertain Significance.

Literature cited by the submitters: PubMed 25640679.

NC_000010.10:g.(?_68280355)_(68535302_?)dup

Genes: CTNNA3 (catenin alpha 3; minus strand), LOC132089820 (Neanderthal introgressed variant-containing enhancer experimental_15439; plus strand), LOC132089821 (Neanderthal introgressed variant-containing enhancer experimental_15446; plus strand). Cytogenetic location: 10q21.3.
Variant type: Duplication.
Identifiers: ClinVar variation 474807 (VCV000474807.7).